The following is an entry in ClinVar:

NM_002485.5(NBN):c.1750G>T (p.Glu584Ter)

Gene: NBN (nibrin; minus strand). Cytogenetic location: 8q21.3.
Variant type: single nucleotide variant.
Coding change: c.1750G>T on transcript NM_002485.5 (MANE Select); coding-DNA position 1750, G replaced by T.
Protein change: p.Glu584Ter; replaces glutamic acid 584 with a stop codon.
Molecular consequence: nonsense.
Genome position (GRCh38, 1-based): chr8:89,953,339, C>A on the plus strand (G>T on the coding strand, the complement: NBN is on the minus strand). VCF-style: chr8-89953339-C-A. GRCh37 (hg19) VCF-style: chr8-90965567-C-A.
Other names: c.1504G>T, p.Glu502Ter (NM_001024688.3); short protein forms E584*, E502*.
Identifiers: ClinVar variation 530738 (VCV000530738.7), dbSNP rs1554558270, ClinGen allele CA371655176.

ClinVar aggregate classification (germline): Pathogenic. Review status: criteria provided, multiple submitters, no conflicts (2 of 4 stars). 2 submissions from 2 submitters: Pathogenic (2). Last evaluated 2026-02-08.

Conditions:
Microcephaly, normal intelligence and immunodeficiency (NBS). Also called: Immunodeficiency, microcephaly with normal intelligence; SEEMANOVA SYNDROME II; Nijmegen breakage syndrome; Ataxia telangiectasia variant V1; Microcephaly with normal intelligence immunodeficiency and lymphoreticular malignancies; Nonsyndromal microcephaly autosomal recessive with normal intelligence. Identifiers: Orphanet 647, MedGen C0398791, MONDO:0009623, OMIM 251260.

Allele frequency attached by ClinVar (database versions not stated): gnomAD exomes below 0.00001.
gnomAD v4.1: 1 of 1,613,550 alleles (0.000062%); highest among the groups gnomAD compares: Non-Finnish European, 0.000085%; no homozygotes.

Submissions (2):

Myriad Genetics, Inc.
Classification: Pathogenic for Microcephaly, normal intelligence and immunodeficiency. Last evaluated: 2026-02-08. Review status: criteria provided, single submitter. Criteria: Myriad Autosomal Dominant, Autosomal Recessive and X-Linked Classification Criteria (2023). Collection method: clinical testing. Allele origin: unknown.
Comment: NM_002485.4(NBN):c.1750G>T(E584*) is expected to be pathogenic in the context of Nijmegen breakage syndrome. This variant is predicted to lead to an abnormal or absent protein product due to the creation of a premature termination codon in NBN, a gene where loss-of-function variants are known to be pathogenic. Please note: this variant was assessed in the context of healthy population screening.

Labcorp Genetics (formerly Invitae), Labcorp
Classification: Pathogenic for Microcephaly, normal intelligence and immunodeficiency. Last evaluated: 2021-12-08. Review status: criteria provided, single submitter. Criteria: Invitae Variant Classification Sherloc (09022015). Collection method: clinical testing. Allele origin: germline.
Comment: ClinVar contains an entry for this variant (Variation ID: 530738). This variant has not been reported in the literature in individuals affected with NBN-related conditions. This variant is not present in population databases (gnomAD no frequency). This sequence change creates a premature translational stop signal (p.Glu584*) in the NBN gene. It is expected to result in an absent or disrupted protein product. Loss-of-function variants in NBN are known to be pathogenic (PMID: 9590180, 16415040). Algorithms developed to predict the effect of sequence changes on RNA splicing suggest that this variant may create or strengthen a splice site. For these reasons, this variant has been classified as Pathogenic.

Literature cited by the submitters: PubMed 9590180 (cited by Labcorp Genetics (formerly Invitae), Labcorp); PubMed 16415040 (cited by Labcorp Genetics (formerly Invitae), Labcorp).